The following is an entry in ClinVar:

NM_013275.6(ANKRD11):c.3769A>C (p.Lys1257Gln)

Gene: ANKRD11 (ankyrin repeat domain 11; minus strand). Cytogenetic location: 16q24.3.
Variant type: single nucleotide variant.
Coding change: c.3769A>C on transcript NM_013275.6 (MANE Select); coding-DNA position 3769, A replaced by C.
Protein change: p.Lys1257Gln; replaces lysine 1257 with glutamine.
Molecular consequence: missense variant.
Genome position (GRCh38, 1-based): chr16:89,282,773, T>G on the plus strand (A>C on the coding strand, the complement: ANKRD11 is on the minus strand). VCF-style: chr16-89282773-T-G. GRCh37 (hg19) VCF-style: chr16-89349181-T-G.
Other names: c.3769A>C, p.Lys1257Gln (NM_001256182.2, NM_001256183.2); short protein forms K1257Q.
Identifiers: ClinVar variation 2346132 (VCV002346132.4), dbSNP rs765651820, ClinGen allele CA8242293.

ClinVar aggregate classification (germline): Conflicting classifications of pathogenicity. Review status: criteria provided, conflicting classifications (1 of 4 stars). 2 submissions from 2 submitters: Uncertain significance (1); Likely benign (1). Last evaluated 2026-04-27.

Conditions:
Inborn genetic diseases. Identifiers: MedGen C0950123, MeSH D030342.

Allele frequency attached by ClinVar (database versions not stated): ExAC 0.00002; gnomAD exomes 0.00005; gnomAD 0.00001; TOPMed 0.00001.
gnomAD v4.1: 67 of 1,612,682 alleles (0.0042%); highest among the groups gnomAD compares: Non-Finnish European, 0.0055%; no homozygotes.

Submissions (2):

Women's Health and Genetics/Laboratory Corporation of America, LabCorp
Classification: Likely benign. Last evaluated: 2026-04-27. Review status: criteria provided, single submitter. Criteria: LabCorp Variant Classification Summary - May 2015. Collection method: clinical testing. Allele origin: germline.
Comment: Variant summary: ANKRD11 c.3769A>C (p.Lys1257Gln) results in a conservative amino acid change in the encoded protein sequence. Algorithms developed to predict the effect of missense changes on protein structure and function are either unavailable or do not agree on the potential impact of this missense change. The variant allele was found at a frequency of 4.2e-05 in 1612682 control chromosomes, predominantly at a frequency of 5.5e-05 within the Non-Finnish European subpopulation in the gnomAD database. The observed variant frequency within Non-Finnish European control individuals in the gnomAD database exceeds the estimated maximal expected allele frequency for disease-causing variants in ANKRD11. To our knowledge, no occurrence of c.3769A>C in individuals affected with ANKRD11-related conditions and no experimental evidence demonstrating its impact on protein function have been reported. ClinVar contains an entry for this variant (Variation ID: 2346132). Based on the evidence outlined above, the variant was classified as likely benign.

Ambry Genetics
Classification: Uncertain significance for Inborn genetic diseases. Last evaluated: 2025-02-13. Review status: criteria provided, single submitter. Criteria: Ambry Variant Classification Scheme 2023. Collection method: clinical testing. Allele origin: germline.